The following is an entry in ClinVar:

NM_003907.3(EIF2B5):c.386G>A (p.Arg129Gln)

Gene: EIF2B5 (eukaryotic translation initiation factor 2B subunit epsilon; plus strand). Cytogenetic location: 3q27.1.
Variant type: single nucleotide variant.
Coding change: c.386G>A on transcript NM_003907.3 (MANE Select); coding-DNA position 386, G replaced by A.
Protein change: p.Arg129Gln; replaces arginine 129 with glutamine.
Molecular consequence: missense variant.
Genome position (GRCh38, 1-based): chr3:184,137,685, G>A. VCF-style: chr3-184137685-G-A. GRCh37 (hg19) VCF-style: chr3-183855473-G-A.
Other names: short protein forms R129Q.
Identifiers: ClinVar variation 2684187 (VCV002684187.2), dbSNP rs377197747, ClinGen allele CA2726384.
Genomic context (GRCh38, chr3:184,137,685, plus strand): 5'-CAAAGTGGTGCCGCCCTACATCTCTCAATGTGGTTCGAATAATTACATCAGAGCTCTATC[G>A]ATCACTGGGAGATGTCCTCCGTGATGTTGATGCCAAGGCTTTGGTGCGCTCTGACTTTCT-3'
Protein context (NP_003898.2, residues 119-139): VVRIITSELY[Arg129Gln]SLGDVLRDVD

ClinVar aggregate classification (germline): Uncertain significance. Review status: criteria provided, multiple submitters, no conflicts (2 of 4 stars). 2 submissions from 2 submitters: Uncertain significance (2). Last evaluated 2025-12-03.

Conditions:
Inborn genetic diseases. Identifiers: MedGen C0950123, MeSH D030342.

Allele frequency attached by ClinVar (database versions not stated): ExAC 0.00005; ESP Exome Variant Server 0.00008.

Submissions (2):

Ambry Genetics
Classification: Uncertain significance for Inborn genetic diseases. Last evaluated: 2025-12-03. Review status: criteria provided, single submitter. Criteria: Ambry Variant Classification Scheme 2023. Collection method: clinical testing. Allele origin: germline.

Athena Diagnostics
Classification: Uncertain significance. Last evaluated: 2022-11-17. Review status: criteria provided, single submitter. Criteria: Athena Diagnostics Criteria. Collection method: clinical testing. Allele origin: unknown.
Comment: Available data are insufficient to determine the clinical significance of the variant at this time. The frequency of this variant in the general population is uninformative in assessment of its pathogenicity. Computational tools disagree on the variant's effect on normal protein function.